The following is an entry in ClinVar:

NC_000017.10:g.(?_15142768)_(15164064_?)dup

Gene: PMP22 (peripheral myelin protein 22; minus strand). Cytogenetic location: 17p12.
Variant type: Duplication.
Identifiers: ClinVar variation 2422848 (VCV002422848.2).

ClinVar aggregate classification (germline): Pathogenic (1 of 4 stars; one submission).

Conditions:
Charcot-Marie-Tooth disease, type I (CMT1). Also called: Charcot-Marie-Tooth disease type 1; Charcot-Marie-Tooth, Type 1. Identifiers: Orphanet 65753, MedGen C0751036, MONDO:0019011.

Submission:

Labcorp Genetics (formerly Invitae), Labcorp
Classification: Pathogenic for Charcot-Marie-Tooth disease, type I. Last evaluated: 2016-10-16. Review status: criteria provided, single submitter. Criteria: Invitae Variant Classification Sherloc (09022015). Collection method: clinical testing. Allele origin: germline.
Comment: This variant is a gross duplication of the genomic region encompassing exons 2-5 of the PMP22 gene. This assay only includes exons 2-5 of PMP22, which covers the entire coding sequence. Therefore, it is assumed that the entire gene is duplicated. Duplications of the region on chromosome 17p11.2 which contain the PMP22 gene causes Charcot-Marie-Tooth type 1A (CMT1A) (PMID: 1677316, 1822787) and has been shown to lead to increased gene dosage as the functional defect in patients with CMT1A (PMID: 1303230). For these reasons, this variant has been classified as Pathogenic.

Literature cited by the submitters: PubMed 1677316; PubMed 1822787; PubMed 1303230.